The following is an entry in ClinVar:

NM_021831.6(AGBL5):c.721G>A (p.Gly241Ser)

Gene: AGBL5 (AGBL carboxypeptidase 5; plus strand). Cytogenetic location: 2p23.3.
Variant type: single nucleotide variant.
Coding change: c.721G>A on transcript NM_021831.6 (MANE Select); coding-DNA position 721, G replaced by A.
Protein change: p.Gly241Ser; replaces glycine 241 with serine.
Molecular consequence: missense variant. On other transcripts: non-coding transcript variant (2).
Genome position (GRCh38, 1-based): chr2:27,054,799, G>A. VCF-style: chr2-27054799-G-A. GRCh37 (hg19) VCF-style: chr2-27277667-G-A.
Other names: c.721G>A, p.Gly241Ser (NM_001035507.3); c.721G>A (NM_021831.5); short protein forms G241S.
Identifiers: ClinVar variation 1492404 (VCV001492404.8), dbSNP rs950361281, ClinGen allele CA44464350.

ClinVar aggregate classification (germline): Uncertain significance. Review status: criteria provided, multiple submitters, no conflicts (2 of 4 stars). 3 submissions from 3 submitters: Uncertain significance (3). Last evaluated 2025-03-24.

Conditions:
Inborn genetic diseases. Identifiers: MedGen C0950123, MeSH D030342.

Allele frequency attached by ClinVar (database versions not stated): gnomAD exomes below 0.00001; gnomAD 0.00001; TOPMed 0.00001.

Submissions (3):

Ambry Genetics
Classification: Uncertain significance for Inborn genetic diseases. Last evaluated: 2025-03-24. Review status: criteria provided, single submitter. Criteria: Ambry Variant Classification Scheme 2023. Collection method: clinical testing. Allele origin: germline.

Labcorp Genetics (formerly Invitae), Labcorp
Classification: Uncertain significance. Last evaluated: 2022-10-04. Review status: criteria provided, single submitter. Criteria: Invitae Variant Classification Sherloc (09022015). Collection method: clinical testing. Allele origin: germline.
Comment: In summary, the available evidence is currently insufficient to determine the role of this variant in disease. Therefore, it has been classified as a Variant of Uncertain Significance. Algorithms developed to predict the effect of sequence changes on RNA splicing suggest that this variant may create or strengthen a splice site. Algorithms developed to predict the effect of missense changes on protein structure and function (SIFT, PolyPhen-2, Align-GVGD) all suggest that this variant is likely to be disruptive. ClinVar contains an entry for this variant (Variation ID: 1492404). This variant has not been reported in the literature in individuals affected with AGBL5-related conditions. This variant is present in population databases (no rsID available, gnomAD 0.0009%). This sequence change replaces glycine, which is neutral and non-polar, with serine, which is neutral and polar, at codon 241 of the AGBL5 protein (p.Gly241Ser).

Blueprint Genetics
Classification: Uncertain significance. Last evaluated: 2020-02-14. Review status: criteria provided, single submitter. Criteria: ACMG Guidelines, 2015. Collection method: clinical testing. Allele origin: germline.